The following is an entry in ClinVar:

NM_005105.5(RBM8A):c.-21G>A

Genes: RBM8A (RNA binding motif protein 8A; minus strand), LIX1L-AS1 (LIX1L antisense RNA 1; plus strand), LOC126805851 (MED14-independent group 3 enhancer GRCh37_chr1:145507474-145508673; plus strand). Cytogenetic location: 1q21.1.
Variant type: single nucleotide variant.
Coding change: c.-21G>A on transcript NM_005105.5 (MANE Select); 21 bases upstream of the start codon, G replaced by A.
Molecular consequence: 5 prime UTR variant. On other transcripts: non-coding transcript variant (1).
Genome position (GRCh38, 1-based): chr1:145,927,447, C>T on the plus strand (G>A on the coding strand, the complement: RBM8A is on the minus strand). VCF-style: chr1-145927447-C-T. GRCh37 (hg19) VCF-style: chr1-145507646-G-A.
Other names: rs139428292; p.?.
Identifiers: ClinVar variation 30464 (VCV000030464.103), dbSNP rs139428292, ClinGen allele CA249745.

ClinVar aggregate classification (germline): Pathogenic/Likely pathogenic/Pathogenic, low penetrance; other. Review status: criteria provided, multiple submitters, no conflicts (2 of 4 stars). 42 submissions from 42 submitters: Pathogenic (25); Likely pathogenic (5); Pathogenic, low penetrance (1). 10 of the submissions do not count toward it. Last evaluated 2026-08-06.

Conditions:
RBM8A-related disorder. Also called: RBM8A-related condition.
Fetal anomalies with a likely genetic cause.
LIX1L-AS1 & RBM8A-related disorders.
Inborn genetic diseases. Identifiers: MedGen C0950123, MeSH D030342.
Radial aplasia-thrombocytopenia syndrome (TAR). Also called: TAR syndrome; Thrombocytopenia Absent Radius Syndrome. Identifiers: Orphanet 3320, MedGen C0175703, MeSH C536940, MONDO:0010121, OMIM 274000.

Allele frequency attached by ClinVar (database versions not stated): 1000 Genomes Project 0.00958; 1000 Genomes Project 30x 0.00984; TOPMed 0.01791; gnomAD 0.01828 and 0.01871; ESP Exome Variant Server 0.02122.
gnomAD v4.1: 40,603 of 1,604,966 alleles (2.5%); highest among the groups gnomAD compares: Middle Eastern, 3.2%; 616 homozygotes.

Submissions 1 to 10 of 42:

OLLIN Analises Genomicas, OLLIN
Classification: Pathogenic for Radial aplasia-thrombocytopenia syndrome. Last evaluated: 2026-08-06. Review status: criteria provided, single submitter. Criteria: ACMG Guidelines 2015 PMID 25741868. Collection method: clinical testing. Allele origin: germline. Inheritance: Autosomal recessive inheritance.
Comment: This variant, located in exon 1 (of 6), has been reported in ClinVar (accession VCV000030464.100), in gnomAD with an allele frequency of 2.53%, and in the scientific literature, in compound heterozygosity, in individuals with RBM8A related disorders (PMID: 22366785, 32227665, 28857120). Functional studies suggest that this variant may affect protein function (PMID: 22366785, 32227665). According to the currently available evidence, this variant has been classified as pathogenic (PS3_P, PS4_P, PM3_VS).

PreventionGenetics, part of Exact Sciences
Classification: Pathogenic for RBM8A-related condition. Last evaluated: 2026-07-02. Review status: criteria provided, single submitter. Criteria: ACMG Guidelines, 2015. Collection method: clinical testing. Allele origin: germline.
Comment: The RBM8A c.-21G>A variant is located in the 5' untranslated region. The c.-21G>A substitution is found in apparently unaffected individuals at frequencies over 2.8% (Albers et al. 2012. PubMed ID: 22366785; see also gnomAD database). However, significant evidence suggests the c.-21G>A substitution is a “functional polymorphism” and that when paired with a null RBM8A allele, such as a large 1q21.1 deletion identified in most TAR patients, is likely a cause of thrombocytopenia with absent radius (TAR) (Albers et al. 2012. PubMed ID: 22366785; Bottillo et al. 2013. PubMed ID: 24053387). Using a cell-based, biochemical assay, studies from Albers et al. 2012 show that the c.-21G>A substitution may decrease transcription of a reporter gene and therefore, when found in patients also harboring a null RBM8A allele, may result in reduction of RBM8A protein to levels below a critical threshold required by some cell types. In summary, the c.-21G>A variant has been found in a high proportion of patients with TAR who also have a large deletion on the opposite allele that includes the RBM8A gene. However, individuals that are homozygous for the c.-21G>A variant are not expected to have features of TAR syndrome (Bottillo et al. 2013. PubMed ID: 24053387; see also gnomAD database). Based on the collective evidence, we interpret this variant as pathogenic.

CeGaT Center for Human Genetics Tuebingen
Classification: Pathogenic. Last evaluated: 2026-03-01. Review status: criteria provided, single submitter. Criteria: CeGaT Center For Human Genetics Tuebingen Variant Classification Criteria Version 2. Collection method: clinical testing. Allele origin: germline. Affected: yes. Observed: 14 variant alleles.
Comment: RBM8A: PM3:Very Strong, PM2:Supporting, PS3:Supporting

Genetics Laboratory, Great Ormond Street Hospital NHS Foundation Trust, North Thames Genomic Laboratory Hub
Classification: Likely pathogenic for Fetal anomalies with a likely genetic cause. Last evaluated: 2026-02-02. Review status: criteria provided, single submitter. Criteria: ACGS Best Practice Guidelines for Variant Classification in Rare Disease 2024 v1.2. Collection method: clinical testing. Allele origin: germline. Affected: yes.
Comment: PS4_moderate, PS3_moderate, PM1_moderate

Labcorp Genetics (formerly Invitae), Labcorp
Classification: Pathogenic, low penetrance for Radial aplasia-thrombocytopenia syndrome. Last evaluated: 2026-02-01. Review status: criteria provided, single submitter. Criteria: Invitae Variant Classification Sherloc (09022015). Collection method: clinical testing. Allele origin: germline.
Comment: This variant occurs in a non-coding region of the RBM8A gene. It does not change the encoded amino acid sequence of the RBM8A protein. This variant is present in population databases (rs139428292, gnomAD 2.8%), including at least one homozygous and/or hemizygous individual. This variant has been observed in individual(s) with TAR Syndrome (PMID: 22366785, 24220582, 27320760). It has also been observed to segregate with disease in related individuals. ClinVar contains an entry for this variant (Variation ID: 30464). Studies have shown that this variant alters RBM8A gene expression (PMID: 22366785). In summary, this variant is reported to cause disease. However, as this variant is associated with a lower penetrance than other pathogenic alleles in the RBM8A gene, it has been classified as Pathogenic (low penetrance).

3billion
Classification: Pathogenic for Radial aplasia-thrombocytopenia syndrome. Last evaluated: 2025-07-21. Review status: criteria provided, single submitter. Criteria: ACMG Guidelines, 2015. Collection method: clinical testing. Allele origin: germline. Affected: yes.
Comment: The variant is observed in the gnomAD v4.1.0 dataset (total allele frequency: 2.530%). Predicted Consequence/Location: 5' UTR variant Functional studies provide moderate evidence of the variant having a damaging effect on the gene or gene product (PMID: 22366785). The variant has been reported to be in trans with a pathogenic variant as either compound heterozygous or homozygous in at least 4 similarly affected unrelated individuals (PMID: 22366785, 24053387, 24220582, 32227665 /3billion dataset). The variant has been reported to co-segregate with the disease in at least one similarly affected relative/individual in the same family or similarly affected unrelated families (PMID: 27320760). The variant has been reported at least twice as pathogenic without evidence for the classification (ClinVar ID: VCV000030464 /PMID: 22366785, 24053387, 32227665 /3billion dataset). Therefore, this variant is classified as Pathogenic according to the recommendation of ACMG/AMP guideline.

Variantyx, Inc.
Classification: Pathogenic for Radial aplasia-thrombocytopenia syndrome. Last evaluated: 2025-03-14. Review status: criteria provided, single submitter. Criteria: Variantyx Assertion Criteria 2022. Collection method: clinical testing. Allele origin: germline.
Comment: This is a 5'-UTR variant in the RBM8A gene (OMIM: 605313). Pathogenic variants in this gene have been associated with autosomal recessive thrombocytopenia-absent radius syndrome (TAR). This variant is a known hypomorphic (mild) allele (a low-frequency regulatory SNP) that has been reported in the compound heterozygous state in many unrelated affected individuals, frequently in trans with a recurrent 200-kb deletion within 1q21.1 encompassing RBM8A and 12 other genes (PMID: 22366785, 24220582, 27320760, 24053387) (PM3_Very_Strong). The c.-21G>A variant in the RBM8A gene has been reported in trans with the recurrent 1q21.1 deletion in both prenatal and postnatal cases of TAR syndrome (PMID: 32333414, 29595812, 20301781). This variant is not known to cause disease in the homozygous state. Functional studies have shown that this variant results in reduced RBM8A promoter activity (PMID: 22366785, 24220582, 27320760) (PVS1_Strong). This variant has a 3.018% maximum allele frequency in non-founder control populations. Based on the current evidence, this variant is classified as pathogenic with low penetrance for autosomal recessive thrombocytopenia-absent radius syndrome. Of note, this variant has been associated with lower platelet counts and hemoglobin values below the lower reference value (PMID 28857120).

Laboratory of Genetics, Children's Clinical University Hospital Latvia
Classification: Pathogenic. Last evaluated: 2025-02-16. Review status: criteria provided, single submitter. Criteria: ACMG Guidelines, 2015. Collection method: clinical testing. Allele origin: germline. Affected: yes.

Ambry Genetics
Classification: Pathogenic for Inborn genetic diseases. Last evaluated: 2025-01-29. Review status: criteria provided, single submitter. Criteria: Ambry Variant Classification Scheme 2023. Collection method: clinical testing. Allele origin: germline.
Comment: The c.-21G>A alteration is located in the 5' untranslated region (5'UTR) of the RBM8A gene. This alteration consists of a G to A substitution 21 nucleotides upstream from the first translated codon. Based on data from gnomAD, the A allele has an overall frequency of 1.79% (4831/269236) total alleles studied. The highest observed frequency was 2.77% (3411/122966) of European (non-Finnish) alleles. This variant has been identified in conjunction with other RBM8A variants in individuals with features consistent with TAR syndrome; in at least one instance, the variants were identified in trans (Albers, 2012; Bottillo, 2013; Tassano, 2015; Boussion, 2020; Monteiro, 2022). This nucleotide position is well conserved in available vertebrate species. In vitro studies have shown that the variant results in decreased RBM8A promoter activity (Albers, 2012). Based on the available evidence, this alteration is classified as pathogenic.

Blueprint Genetics
Classification: Pathogenic for LIX1L-AS1 & RBM8A-related disorders. Last evaluated: 2024-11-26. Review status: criteria provided, single submitter. Criteria: ACMG Guidelines, 2015. Collection method: clinical testing. Allele origin: germline. Affected: yes. Observed: 5 variant alleles.